The following is an entry in ClinVar:

NM_032108.4(SEMA6B):c.2541C>G (p.His847Gln)

Gene: SEMA6B (semaphorin 6B; minus strand). Cytogenetic location: 19p13.3.
Variant type: single nucleotide variant.
Coding change: c.2541C>G on transcript NM_032108.4 (MANE Select); coding-DNA position 2541, C replaced by G.
Protein change: p.His847Gln; replaces histidine 847 with glutamine.
Molecular consequence: missense variant.
Genome position (GRCh38, 1-based): chr19:4,543,727, G>C on the plus strand (C>G on the coding strand, the complement: SEMA6B is on the minus strand). VCF-style: chr19-4543727-G-C. GRCh37 (hg19) VCF-style: chr19-4543739-G-C.
Other names: short protein forms H847Q.
Identifiers: ClinVar variation 3776405 (VCV003776405.1).

ClinVar aggregate classification (germline): Uncertain significance (1 of 4 stars; one submission).

Submission:

GeneDx
Classification: Uncertain significance. Last evaluated: 2024-10-01. Review status: criteria provided, single submitter. Criteria: GeneDx Variant Classification Process June 2021. Collection method: clinical testing. Allele origin: germline. Affected: yes.
Comment: Not observed at significant frequency in large population cohorts (gnomAD); In silico analysis supports that this missense variant has a deleterious effect on protein structure/function; Has not been previously published as pathogenic or benign to our knowledge